The following is an entry in ClinVar:

NM_032608.7(MYO18B):c.4895A>C (p.Gln1632Pro)

Gene: MYO18B (myosin XVIIIB; plus strand). Cytogenetic location: 22q12.1.
Variant type: single nucleotide variant.
Coding change: c.4895A>C on transcript NM_032608.7 (MANE Select); coding-DNA position 4895, A replaced by C.
Protein change: p.Gln1632Pro; replaces glutamine 1632 with proline.
Molecular consequence: missense variant.
Genome position (GRCh38, 1-based): chr22:25,902,684, A>C. VCF-style: chr22-25902684-A-C. GRCh37 (hg19) VCF-style: chr22-26298651-A-C.
Other names: c.4898A>C, p.Gln1633Pro (NM_001318245.2); c.4895A>C (NM_032608.5); short protein forms Q1632P, Q1633P.
Identifiers: ClinVar variation 1966699 (VCV001966699.3), dbSNP rs750208757, ClinGen allele CA10161019.

ClinVar aggregate classification (germline): Uncertain significance. Review status: criteria provided, multiple submitters, no conflicts (2 of 4 stars). 2 submissions from 2 submitters: Uncertain significance (2). Last evaluated 2025-01-09.

Allele frequency attached by ClinVar (database versions not stated): TOPMed below 0.00001; gnomAD 0.00001; ExAC 0.00002.
gnomAD v4.1: 1 of 1,597,092 alleles (0.000063%); highest among the groups gnomAD compares: Non-Finnish European, 0.000085%; no homozygotes.

Submissions (2):

GeneDx
Classification: Uncertain significance. Last evaluated: 2025-01-09. Review status: criteria provided, single submitter. Criteria: GeneDx Variant Classification Process June 2021. Collection method: clinical testing. Allele origin: germline. Affected: yes.
Comment: Not observed at significant frequency in large population cohorts (gnomAD); In silico analysis supports that this missense variant has a deleterious effect on protein structure/function; Has not been previously published as pathogenic or benign to our knowledge

Labcorp Genetics (formerly Invitae), Labcorp
Classification: Uncertain significance. Last evaluated: 2022-05-17. Review status: criteria provided, single submitter. Criteria: Invitae Variant Classification Sherloc (09022015). Collection method: clinical testing. Allele origin: germline.
Comment: This sequence change replaces glutamine, which is neutral and polar, with proline, which is neutral and non-polar, at codon 1632 of the MYO18B protein (p.Gln1632Pro). This variant is not present in population databases (gnomAD no frequency). This variant has not been reported in the literature in individuals affected with MYO18B-related conditions. Algorithms developed to predict the effect of missense changes on protein structure and function are either unavailable or do not agree on the potential impact of this missense change (SIFT: "Not Available"; PolyPhen-2: "Probably Damaging"; Align-GVGD: "Not Available"). In summary, the available evidence is currently insufficient to determine the role of this variant in disease. Therefore, it has been classified as a Variant of Uncertain Significance.